The following is an entry in ClinVar:

NM_020832.3(ZNF687):c.1764G>C (p.Lys588Asn)

Gene: ZNF687 (zinc finger protein 687; plus strand). Cytogenetic location: 1q21.3.
Variant type: single nucleotide variant.
Coding change: c.1764G>C on transcript NM_020832.3 (MANE Select); coding-DNA position 1764, G replaced by C.
Protein change: p.Lys588Asn; replaces lysine 588 with asparagine.
Molecular consequence: missense variant.
Genome position (GRCh38, 1-based): chr1:151,288,055, G>C. VCF-style: chr1-151288055-G-C. GRCh37 (hg19) VCF-style: chr1-151260531-G-C.
Other names: c.1764G>C, p.Lys588Asn (NM_001304763.2, NM_001304764.2); c.1764G>C (NM_020832.1); short protein forms K588N.
Identifiers: ClinVar variation 1945674 (VCV001945674.6), dbSNP rs781526460, ClinGen allele CA1088387.
Genomic context (GRCh38, chr1:151,288,055, plus strand): 5'-CCGCCTGGTCTTCTTCAACAAGTGCAGCCTGCTCCTGCATGCACGTGAACACAAGGACAA[G>C]GGGCTCGTCATGCAGTGCTCACATTTGGTCATGAGGCCTGTAGCCCTTGACCAGATGGTG-3'
Protein context (NP_065883.1, residues 578-598): LLLHAREHKD[Lys588Asn]GLVMQCSHLV

ClinVar aggregate classification (germline): Uncertain significance. Review status: criteria provided, multiple submitters, no conflicts (2 of 4 stars). 2 submissions from 2 submitters: Uncertain significance (2). Last evaluated 2025-05-30.

Allele frequency attached by ClinVar (database versions not stated): gnomAD exomes below 0.00001; ExAC 0.00001; gnomAD 0.00001; TOPMed 0.00002.
gnomAD v4.1: 7 of 1,613,956 alleles (0.00043%); highest among the groups gnomAD compares: African/African-American, 0.0053%; no homozygotes.

Submissions (2):

Labcorp Genetics (formerly Invitae), Labcorp
Classification: Uncertain significance. Last evaluated: 2025-05-30. Review status: criteria provided, single submitter. Criteria: Invitae Variant Classification Sherloc (09022015). Collection method: clinical testing. Allele origin: germline.
Comment: This sequence change replaces lysine, which is basic and polar, with asparagine, which is neutral and polar, at codon 588 of the ZNF687 protein (p.Lys588Asn). This variant is present in population databases (rs781526460, gnomAD 0.007%). This variant has not been reported in the literature in individuals affected with ZNF687-related conditions. ClinVar contains an entry for this variant (Variation ID: 1945674). An algorithm developed to predict the effect of missense changes on protein structure and function (PolyPhen-2) suggests that this variant is likely to be tolerated. In summary, the available evidence is currently insufficient to determine the role of this variant in disease. Therefore, it has been classified as a Variant of Uncertain Significance.

Ambry Genetics
Classification: Uncertain significance. Last evaluated: 2025-02-25. Review status: criteria provided, single submitter. Criteria: Ambry Variant Classification Scheme 2023. Collection method: clinical testing. Allele origin: germline.